The following is an entry in ClinVar:

NM_054012.4(ASS1):c.536G>A (p.Trp179Ter)

Gene: ASS1 (argininosuccinate synthase 1; plus strand). Cytogenetic location: 9q34.11.
Variant type: single nucleotide variant.
Coding change: c.536G>A on transcript NM_054012.4 (MANE Select); coding-DNA position 536, G replaced by A.
Protein change: p.Trp179Ter; replaces tryptophan 179 with a stop codon.
Molecular consequence: nonsense.
Genome position (GRCh38, 1-based): chr9:130,470,874, G>A. VCF-style: chr9-130470874-G-A. GRCh37 (hg19) VCF-style: chr9-133346261-G-A.
Other names: c.536G>A, p.Trp179Ter (NM_000050.4); short protein forms W179*.
Identifiers: ClinVar variation 1425929 (VCV001425929.6), dbSNP rs2131886482, ClinGen allele CA375227204.

ClinVar aggregate classification (germline): Pathogenic (1 of 4 stars; one submission).

Conditions:
Citrullinemia. Identifiers: Orphanet 187, MedGen C0175683, MONDO:0015991.

Submission:

Labcorp Genetics (formerly Invitae), Labcorp
Classification: Pathogenic for Citrullinemia. Last evaluated: 2022-04-08. Review status: criteria provided, single submitter. Criteria: Invitae Variant Classification Sherloc (09022015). Collection method: clinical testing. Allele origin: germline.
Comment: This variant has not been reported in the literature in individuals affected with ASS1-related conditions. This sequence change creates a premature translational stop signal (p.Trp179*) in the ASS1 gene. It is expected to result in an absent or disrupted protein product. Loss-of-function variants in ASS1 are known to be pathogenic (PMID: 18473344, 19006241). This variant is not present in population databases (gnomAD no frequency). Algorithms developed to predict the effect of sequence changes on RNA splicing suggest that this variant may create or strengthen a splice site. For these reasons, this variant has been classified as Pathogenic.

Literature cited by the submitters: PubMed 18473344; PubMed 19006241.